The following is an entry in ClinVar:

ClinVar aggregate classification (germline): Uncertain significance (1 of 4 stars; one submission).

Submission:

Women's Health and Genetics/Laboratory Corporation of America, LabCorp
Classification: Uncertain significance. Last evaluated: 2024-07-15. Review status: criteria provided, single submitter. Criteria: LabCorp Variant Classification Summary - May 2015. Collection method: clinical testing. Allele origin: germline.
Comment: Variant summary: ATP7B c.3842G>C (p.Gly1281Ala) results in a non-conservative amino acid change located in the P-type ATPase, haloacid dehalogenase domain (IPR044492) of the encoded protein sequence. Five of five in-silico tools predict a damaging effect of the variant on protein function. The variant was absent in 249564 control chromosomes. The available data on variant occurrences in the general population are insufficient to allow any conclusion about variant significance. To our knowledge, no occurrence of c.3842G>C in individuals affected with Wilson Disease and no experimental evidence demonstrating its impact on protein function have been reported. No submitters have cited clinical-significance assessments for this variant to ClinVar. Based on the evidence outlined above, the variant was classified as uncertain significance.

NM_000053.4(ATP7B):c.3842G>C (p.Gly1281Ala)

Gene: ATP7B (ATPase copper transporting beta; minus strand). Cytogenetic location: 13q14.3.
Variant type: single nucleotide variant.
Coding change: c.3842G>C on transcript NM_000053.4 (MANE Select); coding-DNA position 3842, G replaced by C.
Protein change: p.Gly1281Ala; replaces glycine 1281 with alanine.
Molecular consequence: missense variant. On other transcripts: intron variant (1).
Genome position (GRCh38, 1-based): chr13:51,937,537, C>G on the plus strand (G>C on the coding strand, the complement: ATP7B is on the minus strand). VCF-style: chr13-51937537-C-G. GRCh37 (hg19) VCF-style: chr13-52511673-C-G.
Other names: c.2552G>C, p.Gly851Ala (NM_001406548.1); c.3700-144G>C (NM_001406526.1); c.3221G>C, p.Gly1074Ala (NM_001005918.3); c.3509G>C, p.Gly1170Ala (NM_001243182.2); c.3608G>C, p.Gly1203Ala (NM_001330578.2, NM_001406527.1, NM_001406528.1); c.3590G>C, p.Gly1197Ala (NM_001330579.2, NM_001406531.1, NM_001406532.1); c.3842G>C, p.Gly1281Ala (NM_001406511.1, NM_001406512.1); c.3836G>C, p.Gly1279Ala (NM_001406513.1); and 21 more; short protein forms G1000A, G1054A, G1065A, G1074A, G1087A, G1117A, G1119A, G1132A.
Identifiers: ClinVar variation 3339492 (VCV003339492.1).